The following is an entry in ClinVar:

ClinVar aggregate classification (germline): Conflicting classifications of pathogenicity. Review status: criteria provided, conflicting classifications (1 of 4 stars). 2 submissions from 2 submitters: Likely pathogenic (1); Uncertain significance (1). Last evaluated 2026-03-16.

Conditions:
Smith-Lemli-Opitz syndrome (SLOS). Also called: 7-Dehydrocholesterol reductase deficiency; LETHAL ACRODYSGENITAL SYNDROME; POLYDACTYLY, SEX REVERSAL, RENAL HYPOPLASIA, AND UNILOBAR LUNG; RSH SYNDROME; RUTLEDGE LETHAL MULTIPLE CONGENITAL ANOMALY SYNDROME. Identifiers: Orphanet 818, MedGen C0175694, MONDO:0010035, OMIM 270400.

Submissions (2):

Myriad Genetics, Inc.
Classification: Uncertain significance for Smith-Lemli-Opitz syndrome. Last evaluated: 2026-03-16. Review status: criteria provided, single submitter. Criteria: Myriad Autosomal Dominant, Autosomal Recessive and X-Linked Classification Criteria (2023). Collection method: clinical testing. Allele origin: unknown.
Comment: NM_001360.2(DHCR7):c.1385A>G(Y462C) is a missense variant classified as a variant of uncertain significance in the context of Smith-Lemli-Opitz syndrome. Y462C has not been observed in cases with relevant disease. Relevant functional assessments of this variant are not available in the literature. Y462C has not been observed in referenced population frequency databases. In summary, there is insufficient evidence to classify NM_001360.2(DHCR7):c.1385A>G(Y462C) as pathogenic or benign. Please note: this variant was assessed in the context of healthy population screening.

Labcorp Genetics (formerly Invitae), Labcorp
Classification: Likely pathogenic for Smith-Lemli-Opitz syndrome. Last evaluated: 2024-02-24. Review status: criteria provided, single submitter. Criteria: Invitae Variant Classification Sherloc (09022015). Collection method: clinical testing. Allele origin: germline.
Comment: This sequence change replaces tyrosine, which is neutral and polar, with cysteine, which is neutral and slightly polar, at codon 462 of the DHCR7 protein (p.Tyr462Cys). This variant is not present in population databases (gnomAD no frequency). This variant has not been reported in the literature in individuals affected with DHCR7-related conditions. ClinVar contains an entry for this variant (Variation ID: 2119342). Advanced modeling of protein sequence and biophysical properties (such as structural, functional, and spatial information, amino acid conservation, physicochemical variation, residue mobility, and thermodynamic stability) performed at Invitae indicates that this missense variant is expected to disrupt DHCR7 protein function with a positive predictive value of 95%. This variant disrupts the p.Tyr462 amino acid residue in DHCR7. Other variant(s) that disrupt this residue have been determined to be pathogenic (PMID: 10814720, 27513191). This suggests that this residue is clinically significant, and that variants that disrupt this residue are likely to be disease-causing. In summary, the currently available evidence indicates that the variant is pathogenic, but additional data are needed to prove that conclusively. Therefore, this variant has been classified as Likely Pathogenic.

Literature cited by the submitters: PubMed 10814720 (cited by Labcorp Genetics (formerly Invitae), Labcorp); PubMed 27513191 (cited by Labcorp Genetics (formerly Invitae), Labcorp).

NM_001360.3(DHCR7):c.1385A>G (p.Tyr462Cys)

Gene: DHCR7 (7-dehydrocholesterol reductase; minus strand). Cytogenetic location: 11q13.4.
Variant type: single nucleotide variant.
Coding change: c.1385A>G on transcript NM_001360.3 (MANE Select); coding-DNA position 1385, A replaced by G.
Protein change: p.Tyr462Cys; replaces tyrosine 462 with cysteine.
Molecular consequence: missense variant.
Genome position (GRCh38, 1-based): chr11:71,435,418, T>C on the plus strand (A>G on the coding strand, the complement: DHCR7 is on the minus strand). VCF-style: chr11-71435418-T-C. GRCh37 (hg19) VCF-style: chr11-71146464-T-C.
Other names: c.1385A>G, p.Tyr462Cys (NM_001163817.2); short protein forms Y462C.
Identifiers: ClinVar variation 2119342 (VCV002119342.5), dbSNP rs2135939447, ClinGen allele CA381700543.
Genomic context (GRCh38, chr11:71,435,418, plus strand): 5'-CTCCCTAGGGCGTGCCCTTAGAAGATTCCAGGCAGCAGGCGGTAAGGCACTGCGGCGGTG[T>C]AGCGCTCCCAGTCCCGGCCGTACTTGCTGGCGCAGCGGTGCTCGTCCCGGAGGCAGCGGT-3'
Protein context (NP_001351.2, residues 452-472): ASKYGRDWER[Tyr462Cys]TAAVPYRLLP